The following is an entry in ClinVar:

ClinVar aggregate classification (germline): Likely benign (0 of 4 stars; one submission).

Conditions:
CEP250-related disorder. Also called: CEP250-related condition.

Allele frequency attached by ClinVar (database versions not stated): TOPMed below 0.00001.

Submission:

PreventionGenetics, part of Exact Sciences
Classification: Likely benign for CEP250-related condition. Last evaluated: 2023-07-27. Review status: no assertion criteria provided. Collection method: clinical testing. Allele origin: germline.
Comment: This variant is classified as likely benign based on ACMG/AMP sequence variant interpretation guidelines (Richards et al. 2015 PMID: 25741868, with internal and published modifications).

NM_007186.6(CEP250):c.3447A>C (p.Ala1149=)

Gene: CEP250 (centrosomal protein 250; plus strand). Cytogenetic location: 20q11.22.
Variant type: single nucleotide variant.
Coding change: c.3447A>C on transcript NM_007186.6 (MANE Select); coding-DNA position 3447, A replaced by C.
Protein change: p.Ala1149=; no amino-acid change (alanine 1149 retained).
Molecular consequence: synonymous variant.
Genome position (GRCh38, 1-based): chr20:35,497,859, A>C. VCF-style: chr20-35497859-A-C. GRCh37 (hg19) VCF-style: chr20-34085688-A-C.
Other names: c.1551A>C, p.Ala517= (NM_001318219.1).
Identifiers: ClinVar variation 3058704 (VCV003058704.2), dbSNP rs2063886401, ClinGen allele CA510483203.